The following is an entry in ClinVar:

NM_000070.3(CAPN3):c.212_214delinsGG (p.Lys71fs)

Gene: CAPN3 (calpain 3; plus strand). Cytogenetic location: 15q15.1.
Variant type: Indel.
Coding change: c.212_214delinsGG on transcript NM_000070.3 (MANE Select); coding-DNA positions 212 to 214, AGA replaced by GG.
Protein change: p.Lys71fs; shifts the reading frame from lysine 71.
Molecular consequence: frameshift variant.
Genome position (GRCh38, 1-based): chr15:42,360,017-42,360,019, AGA replaced by GG. VCF-style: chr15-42360017-AGA-GG. GRCh37 (hg19) VCF-style: chr15-42652215-AGA-GG.
Other names: c.212_214delinsGG, p.Lys71fs (NM_024344.2, NM_173087.2); short protein forms K71fs.
Identifiers: ClinVar variation 1325393 (VCV001325393.5), dbSNP rs2141102654, ClinGen allele CA2573053999.
Genomic context (GRCh38, chr15:42,360,017, plus strand): 5'-TTCCTATTATCGGAGTGAAAGAGAAGACATTCGAGCAACTTCACAAGAAATGTCTAGAAA[AGA>GG]AAGTTCTTTATGTGGACCCTGAGTTCCCACCGGATGAGACCTCTCTCTTTTATAGCCAGA-3'

ClinVar aggregate classification (germline): Pathogenic/Likely pathogenic. Review status: criteria provided, multiple submitters, no conflicts (2 of 4 stars). 2 submissions from 2 submitters: Pathogenic (1); Likely pathogenic (1). Last evaluated 2026-01-13.

Conditions:
Autosomal recessive limb-girdle muscular dystrophy type 2A (LGMDR1). Also called: LEYDEN-MOEBIUS MUSCULAR DYSTROPHY; MUSCULAR DYSTROPHY, PELVOFEMORAL; Muscular dystrophy, limb-girdle, type 2A, Amish; Calpainopathy; Limb-girdle muscular dystrophy, type 2A. Identifiers: Orphanet 267, MedGen C1869123, MONDO:0009675, OMIM 253600. Disease mechanism: loss of function.

Submissions (2):

Natera, Inc.
Classification: Likely pathogenic for Limb-girdle muscular dystrophy type 2A. Last evaluated: 2026-01-13. Review status: criteria provided, single submitter. Criteria: Natera Variant Classification Schema (03/2026). Collection method: clinical testing. Allele origin: germline.
Comment: The c.212_214delinsGG variant in CAPN3 is a frameshift variant predicted to shift the reading frame beginning at codon 71 and leads to a stop codon 56 codons downstream. This variant is expected to result in nonsense mediated decay, truncation, or a dysfunctional protein product. This variant is rare in the general population with a frequency below the threshold expected for the associated phenotype(s). Given the available evidence, this variant is classified as Likely Pathogenic.

Revvity Omics, Revvity
Classification: Pathogenic. Last evaluated: 2019-02-08. Review status: criteria provided, single submitter. Criteria: ACMG Guidelines, 2015. Collection method: clinical testing. Allele origin: germline.